The following is an entry in ClinVar:

ClinVar aggregate classification (germline): Uncertain significance (1 of 4 stars; one submission).

Conditions:
CHARGE syndrome (CHARGE). Also called: Hittner Hirsch Kreh syndrome; CHARGE ASSOCIATION--COLOBOMA, HEART ANOMALY, CHOANAL ATRESIA, RETARDATION, GENITAL AND EAR ANOMALIES; Coloboma, heart anomaly, choanal atresia, retardation, genital and ear anomalies; CHARGE association; Hall-Hittner syndrome. Identifiers: Orphanet 138, MedGen C0265354, MONDO:0008965.

Allele frequency attached by ClinVar (database versions not stated): gnomAD exomes below 0.00001; TOPMed below 0.00001.
gnomAD v4.1: 2 of 1,614,044 alleles (0.00012%); highest among the groups gnomAD compares: South Asian, 0.0022%; no homozygotes.

Submission:

Labcorp Genetics (formerly Invitae), Labcorp
Classification: Uncertain significance for CHARGE syndrome. Last evaluated: 2020-02-13. Review status: criteria provided, single submitter. Criteria: Invitae Variant Classification Sherloc (09022015). Collection method: clinical testing. Allele origin: germline.
Comment: This variant has not been reported in the literature in individuals with CHD7-related conditions. Algorithms developed to predict the effect of missense changes on protein structure and function (SIFT, PolyPhen-2, Align-GVGD) all suggest that this variant is likely to be tolerated, but these predictions have not been confirmed by published functional studies and their clinical significance is uncertain. In summary, the available evidence is currently insufficient to determine the role of this variant in disease. Therefore, it has been classified as a Variant of Uncertain Significance. This sequence change replaces serine with glycine at codon 357 of the CHD7 protein (p.Ser357Gly). The serine residue is highly conserved and there is a small physicochemical difference between serine and glycine. This variant is not present in population databases (ExAC no frequency).

NM_017780.4(CHD7):c.1069A>G (p.Ser357Gly)

Gene: CHD7 (chromodomain helicase DNA binding protein 7; plus strand). Cytogenetic location: 8q12.2.
Variant type: single nucleotide variant.
Coding change: c.1069A>G on transcript NM_017780.4 (MANE Select); coding-DNA position 1069, A replaced by G.
Protein change: p.Ser357Gly; replaces serine 357 with glycine.
Molecular consequence: missense variant.
Genome position (GRCh38, 1-based): chr8:60,742,501, A>G. VCF-style: chr8-60742501-A-G. GRCh37 (hg19) VCF-style: chr8-61655060-A-G.
Other names: c.1069A>G, p.Ser357Gly (NM_001316690.1); short protein forms S357G.
Identifiers: ClinVar variation 1053767 (VCV001053767.9), dbSNP rs1809095447, ClinGen allele CA371301106.